The following is an entry in ClinVar:

ClinVar aggregate classification (germline): Likely benign (0 of 4 stars; one submission).

Conditions:
SLC22A11-related disorder. Also called: SLC22A11-related condition.

Allele frequency attached by ClinVar (database versions not stated): 1000 Genomes Project 30x 0.00078; 1000 Genomes Project 0.00080; ExAC 0.00152; ESP Exome Variant Server 0.00253.
gnomAD v4.1: 4,905 of 1,550,258 alleles (0.32%); highest among the groups gnomAD compares: Admixed American, 0.43%; 8 homozygotes.

Submission:

PreventionGenetics, part of Exact Sciences
Classification: Likely benign for SLC22A11-related condition. Last evaluated: 2022-05-24. Review status: no assertion criteria provided. Collection method: clinical testing. Allele origin: germline.
Comment: This variant is classified as likely benign based on ACMG/AMP sequence variant interpretation guidelines (Richards et al. 2015 PMID: 25741868, with internal and published modifications).

NM_018484.4(SLC22A11):c.1028G>T (p.Arg343Leu)

Gene: SLC22A11 (solute carrier family 22 member 11; plus strand). Cytogenetic location: 11q13.1.
Variant type: single nucleotide variant.
Coding change: c.1028G>T on transcript NM_018484.4 (MANE Select); coding-DNA position 1028, G replaced by T.
Protein change: p.Arg343Leu; replaces arginine 343 with leucine.
Molecular consequence: missense variant.
Genome position (GRCh38, 1-based): chr11:64,565,307, G>T. VCF-style: chr11-64565307-G-T. GRCh37 (hg19) VCF-style: chr11-64332779-G-T.
Other names: c.1028G>T, p.Arg343Leu (NM_001307985.2); short protein forms R343L.
Identifiers: ClinVar variation 3045043 (VCV003045043.2), dbSNP rs75933978, ClinGen allele CA6076734.
Genomic context (GRCh38, chr11:64,565,307, plus strand): 5'-AGGTGGCCTCTGCAAAGGAGCCGCGGTCGGTGCTGGACCTGTTCTGCGTGCCCGTGCTCC[G>T]CTGGAGGAGCTGCGCCATGCTGGTGGTGAAGTACGCCGTCCTGGTGTCCCTCCCCAAGGC-3'
Protein context (NP_060954.1, residues 333-353): VLDLFCVPVL[Arg343Leu]WRSCAMLVVN